The following is an entry in ClinVar:

NM_130468.4(CHST14):c.821G>A (p.Arg274His)

Gene: CHST14 (carbohydrate sulfotransferase 14; plus strand). Cytogenetic location: 15q15.1.
Variant type: single nucleotide variant.
Coding change: c.821G>A on transcript NM_130468.4 (MANE Select); coding-DNA position 821, G replaced by A.
Protein change: p.Arg274His; replaces arginine 274 with histidine.
Molecular consequence: missense variant.
Genome position (GRCh38, 1-based): chr15:40,472,034, G>A. VCF-style: chr15-40472034-G-A. GRCh37 (hg19) VCF-style: chr15-40764233-G-A.
Other names: short protein forms R274H.
Identifiers: ClinVar variation 5039744 (VCV005039744.1).

ClinVar aggregate classification (germline): Uncertain significance (1 of 4 stars; one submission).

Submission:

CeGaT Center for Human Genetics Tuebingen
Classification: Uncertain significance. Last evaluated: 2026-07-01. Review status: criteria provided, single submitter. Criteria: CeGaT Center For Human Genetics Tuebingen Variant Classification Criteria Version 2. Collection method: clinical testing. Allele origin: germline. Affected: yes. Observed: 1 variant allele.
Comment: CHST14: PM2, PM5:Supporting, BP4